The following is an entry in ClinVar:

NM_182493.3(MYLK3):c.2341A>G (p.Lys781Glu)

Gene: MYLK3 (myosin light chain kinase 3; minus strand). Cytogenetic location: 16q11.2.
Variant type: single nucleotide variant.
Coding change: c.2341A>G on transcript NM_182493.3 (MANE Select); coding-DNA position 2341, A replaced by G.
Protein change: p.Lys781Glu; replaces lysine 781 with glutamic acid.
Molecular consequence: missense variant.
Genome position (GRCh38, 1-based): chr16:46,709,598, T>C on the plus strand (A>G on the coding strand, the complement: MYLK3 is on the minus strand). VCF-style: chr16-46709598-T-C. GRCh37 (hg19) VCF-style: chr16-46743510-T-C.
Other names: c.1318A>G, p.Lys440Glu (NM_001308301.1); short protein forms K440E, K781E.
Identifiers: ClinVar variation 2065584 (VCV002065584.4), dbSNP rs768849408, ClinGen allele CA8037619.

ClinVar aggregate classification (germline): Uncertain significance (1 of 4 stars; one submission).

Allele frequency attached by ClinVar (database versions not stated): ExAC 0.00001.

Submission:

Labcorp Genetics (formerly Invitae), Labcorp
Classification: Uncertain significance. Last evaluated: 2025-02-05. Review status: criteria provided, single submitter. Criteria: Invitae Variant Classification Sherloc (09022015). Collection method: clinical testing. Allele origin: germline.
Comment: This sequence change replaces lysine, which is basic and polar, with glutamic acid, which is acidic and polar, at codon 781 of the MYLK3 protein (p.Lys781Glu). This variant is present in population databases (rs768849408, gnomAD 0.01%). This variant has not been reported in the literature in individuals affected with MYLK3-related conditions. ClinVar contains an entry for this variant (Variation ID: 2065584). An algorithm developed to predict the effect of missense changes on protein structure and function (PolyPhen-2) suggests that this variant is likely to be disruptive. In summary, the available evidence is currently insufficient to determine the role of this variant in disease. Therefore, it has been classified as a Variant of Uncertain Significance.